The following is an entry in ClinVar:

ClinVar aggregate classification (germline): Likely benign. Review status: criteria provided, multiple submitters, no conflicts (2 of 4 stars). 2 submissions from 2 submitters: Likely benign (2). Last evaluated 2024-11-15.

Conditions:
ITGA3-related disorder. Also called: ITGA3-related condition.

gnomAD v4.1: 31 of 1,535,818 alleles (0.002%); highest among the groups gnomAD compares: African/African-American, 0.034%; no homozygotes.

Submissions (2):

PreventionGenetics, part of Exact Sciences
Classification: Likely benign for ITGA3-related condition. Last evaluated: 2024-11-15. Review status: criteria provided, single submitter. Criteria: ACMG Guidelines, 2015. Collection method: clinical testing. Allele origin: germline.
Comment: This variant is classified as likely benign based on ACMG/AMP sequence variant interpretation guidelines (Richards et al. 2015 PMID: 25741868, with internal and published modifications).

Labcorp Genetics (formerly Invitae), Labcorp
Classification: Likely benign. Last evaluated: 2024-08-30. Review status: criteria provided, single submitter. Criteria: Invitae Variant Classification Sherloc (09022015). Collection method: clinical testing. Allele origin: germline.

NM_002204.4(ITGA3):c.24G>A (p.Ala8=)

Gene: ITGA3 (integrin subunit alpha 3; plus strand). Cytogenetic location: 17q21.33.
Variant type: single nucleotide variant.
Coding change: c.24G>A on transcript NM_002204.4 (MANE Select); coding-DNA position 24, G replaced by A.
Protein change: p.Ala8=; no amino-acid change (alanine 8 retained).
Molecular consequence: synonymous variant.
Genome position (GRCh38, 1-based): chr17:50,056,463, G>A. VCF-style: chr17-50056463-G-A. GRCh37 (hg19) VCF-style: chr17-48133827-G-A.
Other names: c.24G>A (NM_002204.3).
Identifiers: ClinVar variation 2855682 (VCV002855682.4), dbSNP rs975509582, ClinGen allele CA291504016.